The following is an entry in ClinVar:

NM_005732.4(RAD50):c.1246A>G (p.Asn416Asp)

Gene: RAD50 (RAD50 double strand break repair protein; plus strand). Cytogenetic location: 5q31.1.
Variant type: single nucleotide variant.
Coding change: c.1246A>G on transcript NM_005732.4 (MANE Select); coding-DNA position 1246, A replaced by G.
Protein change: p.Asn416Asp; replaces asparagine 416 with aspartic acid.
Molecular consequence: missense variant.
Genome position (GRCh38, 1-based): chr5:132,589,631, A>G. VCF-style: chr5-132589631-A-G. GRCh37 (hg19) VCF-style: chr5-131925323-A-G.
Other names: c.1246A>G (NM_005732.3); short protein forms N416D.
Identifiers: ClinVar variation 1053144 (VCV001053144.14), dbSNP rs2149841432, ClinGen allele CA360943540.

ClinVar aggregate classification (germline): Uncertain significance. Review status: criteria provided, multiple submitters, no conflicts (2 of 4 stars). 3 submissions from 3 submitters: Uncertain significance (2). 1 of the submissions does not count toward it. Last evaluated 2025-05-29.

Conditions:
RAD50-related disorder. Also called: RAD50-related condition.
Hereditary cancer-predisposing syndrome. Also called: Tumor predisposition; Hereditary neoplastic syndrome; Hereditary Cancer Syndrome; Neoplastic Syndromes, Hereditary. Identifiers: Orphanet 140162, MedGen C0027672, MeSH D009386, MONDO:0015356.

gnomAD v4.1: 10 of 1,573,814 alleles (0.00064%); highest among the groups gnomAD compares: Non-Finnish European, 0.00086%; no homozygotes.

Submissions (3):

Ambry Genetics
Classification: Uncertain significance for Hereditary cancer-predisposing syndrome. Last evaluated: 2025-05-29. Review status: criteria provided, single submitter. Criteria: Ambry Variant Classification Scheme 2023. Collection method: clinical testing. Allele origin: germline.
Comment: The p.N416D variant (also known as c.1246A>G) is located in coding exon 9 of the RAD50 gene. The asparagine at codon 416 is replaced by aspartic acid, an amino acid with highly similar properties. This change occurs in the first base pair of coding exon 9. This amino acid position is conserved. In addition, this alteration is predicted to be tolerated by in silico analysis. Since supporting evidence is limited at this time, the clinical significance of this alteration remains unclear.

Labcorp Genetics (formerly Invitae), Labcorp
Classification: Uncertain significance for Hereditary cancer-predisposing syndrome. Last evaluated: 2023-08-01. Review status: criteria provided, single submitter. Criteria: Invitae Variant Classification Sherloc (09022015). Collection method: clinical testing. Allele origin: germline.
Comment: This variant is not present in population databases (gnomAD no frequency). This sequence change replaces asparagine, which is neutral and polar, with aspartic acid, which is acidic and polar, at codon 416 of the RAD50 protein (p.Asn416Asp). This variant has not been reported in the literature in individuals affected with RAD50-related conditions. In summary, the available evidence is currently insufficient to determine the role of this variant in disease. Therefore, it has been classified as a Variant of Uncertain Significance. An algorithm developed to predict the effect of missense changes on protein structure and function (PolyPhen-2) suggests that this variant is likely to be tolerated. ClinVar contains an entry for this variant (Variation ID: 1053144).

PreventionGenetics, part of Exact Sciences
Classification: Uncertain significance for RAD50-related condition. Last evaluated: 2024-03-09. Review status: no assertion criteria provided. Collection method: clinical testing. Allele origin: germline. Not counted in ClinVar's aggregate classification.
Comment: The RAD50 c.1246A>G variant is predicted to result in the amino acid substitution p.Asn416Asp. To our knowledge, this variant has not been reported in the literature or in a large population database, indicating this variant is rare. At this time, the clinical significance of this variant is uncertain due to the absence of conclusive functional and genetic evidence.